The following is an entry in ClinVar:

ClinVar aggregate classification (germline): Likely pathogenic (1 of 4 stars; one submission).

Submission:

Dasa
Classification: Likely pathogenic. Last evaluated: 2026-01-30. Review status: criteria provided, single submitter. Criteria: DASA Assertion Criteria. Collection method: clinical testing. Allele origin: germline.
Comment: NM_001083962.2(TCF4):c.838dup (p.Met280Asnfs*7) is a frameshift variant in TCF4 predicted to alter the reading frame and introduce a premature termination codon and is predicted to result in an absent or altered protein product. Loss of function is an established disease mechanism for TCF4 (PMID: 17478476; PMID: 29604340; PMID: 22045651). Also, this variant is rare in population databases. Based on the currently available evidence, this variant is classified as likely pathogenic.

Literature cited by the submitters: PubMed 17478476; PubMed 29604340; PubMed 22045651.

NM_001083962.2(TCF4):c.838dup (p.Met280fs)

Genes: TCF4 (transcription factor 4; minus strand), LOC126862757 (CDK7 strongly-dependent group 2 enhancer GRCh37_chr18:52936433-52937632; plus strand). Cytogenetic location: 18q21.2.
Variant type: Duplication.
Coding change: c.838dup on transcript NM_001083962.2 (MANE Select); coding-DNA position 838, one base duplicated (A; older notation c.838dupA).
Protein change: p.Met280fs; shifts the reading frame from methionine 280.
Molecular consequence: frameshift variant.
Genome position (GRCh38, 1-based): chr18:55,269,915, T duplicated on the plus strand (A on the coding strand, the reverse complement: TCF4 is on the minus strand). VCF-style (leftmost placement, unchanged base first): chr18-55269914-A-AT. GRCh37 (hg19) VCF-style: chr18-52937145-A-AT.
Other names: c.835dup, p.Met279fs (NM_001369569.1, NM_001369570.1, NM_001369573.1); c.838dup, p.Met280fs (NM_001369571.1, NM_001369572.1, NM_001369574.1 and 4 more transcripts); c.766dup, p.Met256fs (NM_001369575.1, NM_001369577.1, NM_001369579.1 and 9 more transcripts); c.763dup, p.Met255fs (NM_001369576.1, NM_001369578.1, NM_001369581.1 and 3 more transcripts); c.1144dup, p.Met382fs (NM_001243226.3); c.856dup, p.Met286fs (NM_001243228.2); c.832dup, p.Met278fs (NM_001243230.2); c.712dup, p.Met238fs (NM_001243231.2, NM_001348211.2); and 4 more; short protein forms M120fs, M150fs, M209fs, M238fs, M255fs, M256fs, M278fs, M279fs.
Identifiers: ClinVar variation 4886513 (VCV004886513.2).